The following is an entry in ClinVar:

ClinVar aggregate classification (germline): Uncertain significance. Review status: criteria provided, multiple submitters, no conflicts (2 of 4 stars). 2 submissions from 2 submitters: Uncertain significance (2). Last evaluated 2025-11-11.

Conditions:
Hereditary cancer-predisposing syndrome. Also called: Hereditary Cancer Syndrome; Hereditary neoplastic syndrome; Neoplastic Syndromes, Hereditary; Tumor predisposition. Identifiers: Orphanet 140162, MedGen C0027672, MeSH D009386, MONDO:0015356.
POLD1-related polyposis and colorectal cancer syndrome (CRCS10). Also called: Colorectal cancer, susceptibility to, 10; Colorectal cancer 10; COLORECTAL CANCER, SUSCEPTIBILITY TO, ON CHROMOSOME 19q. Identifiers: Orphanet 220460, MedGen C2675481, MONDO:0012953, OMIM 612591.

Submissions (2):

Ambry Genetics
Classification: Uncertain significance for Hereditary cancer-predisposing syndrome. Last evaluated: 2025-11-11. Review status: criteria provided, single submitter. Criteria: Ambry Variant Classification Scheme 2023. Collection method: clinical testing. Allele origin: germline.
Comment: The p.G345E variant (also known as c.1034G>A), located in coding exon 8 of the POLD1 gene, results from a G to A substitution at nucleotide position 1034. The glycine at codon 345 is replaced by glutamic acid, an amino acid with similar properties. This amino acid position is highly conserved in available vertebrate species. In addition, the in silico prediction for this alteration is inconclusive. Since supporting evidence is limited at this time, the clinical significance of this alteration remains unclear.

Labcorp Genetics (formerly Invitae), Labcorp
Classification: Uncertain significance for POLD1-related polyposis and colorectal cancer syndrome. Last evaluated: 2023-06-30. Review status: criteria provided, single submitter. Criteria: Invitae Variant Classification Sherloc (09022015). Collection method: clinical testing. Allele origin: germline.
Comment: This variant is not present in population databases (gnomAD no frequency). In summary, the available evidence is currently insufficient to determine the role of this variant in disease. Therefore, it has been classified as a Variant of Uncertain Significance. Advanced modeling of protein sequence and biophysical properties (such as structural, functional, and spatial information, amino acid conservation, physicochemical variation, residue mobility, and thermodynamic stability) performed at Invitae indicates that this missense variant is expected to disrupt POLD1 protein function. ClinVar contains an entry for this variant (Variation ID: 822050). This variant has not been reported in the literature in individuals affected with POLD1-related conditions. This sequence change replaces glycine, which is neutral and non-polar, with glutamic acid, which is acidic and polar, at codon 345 of the POLD1 protein (p.Gly345Glu).

NM_002691.4(POLD1):c.1034G>A (p.Gly345Glu)

Gene: POLD1 (DNA polymerase delta 1, catalytic subunit; plus strand). Cytogenetic location: 19q13.33.
Variant type: single nucleotide variant.
Coding change: c.1034G>A on transcript NM_002691.4 (MANE Select); coding-DNA position 1034, G replaced by A.
Protein change: p.Gly345Glu; replaces glycine 345 with glutamic acid.
Molecular consequence: missense variant. On other transcripts: non-coding transcript variant (1).
Genome position (GRCh38, 1-based): chr19:50,403,116, G>A. VCF-style: chr19-50403116-G-A. GRCh37 (hg19) VCF-style: chr19-50906373-G-A.
Other names: c.1034G>A, p.Gly345Glu (NM_001256849.1, NM_001308632.1); short protein forms G345E.
Identifiers: ClinVar variation 822050 (VCV000822050.8), dbSNP rs1555790409, ClinGen allele CA406978071.